The following is an entry in ClinVar:

ClinVar aggregate classification (germline): Conflicting classifications of pathogenicity. Review status: criteria provided, conflicting classifications (1 of 4 stars). 9 submissions from 9 submitters: Uncertain significance (2); Benign (1); Likely benign (5). 1 of the submissions does not count toward it. Last evaluated 2026-02-03.

Conditions:
Inborn genetic diseases. Identifiers: MedGen C0950123, MeSH D030342.
Pitt-Hopkins-like syndrome 2 (PTHSL2). Identifiers: Orphanet 221150, Orphanet 600663, MedGen C3280479, MONDO:0013690, OMIM 614325.
NRXN1-related disorder.

Allele frequency attached by ClinVar (database versions not stated): 1000 Genomes Project 30x 0.00016; gnomAD 0.00049 and 0.00051; ExAC 0.00054; gnomAD exomes 0.00054 and 0.00099; TOPMed 0.00057; ESP Exome Variant Server 0.00067.
gnomAD v4.1: 1,502 of 1,613,056 alleles (0.093%); highest among the groups gnomAD compares: Non-Finnish European, 0.11%; 1 homozygote.

Submissions (9):

Labcorp Genetics (formerly Invitae), Labcorp
Classification: Likely benign for Pitt-Hopkins-like syndrome 2. Last evaluated: 2026-02-03. Review status: criteria provided, single submitter. Criteria: Invitae Variant Classification Sherloc (09022015). Collection method: clinical testing. Allele origin: germline.

CeGaT Center for Human Genetics Tuebingen
Classification: Likely benign. Last evaluated: 2026-02-01. Review status: criteria provided, single submitter. Criteria: CeGaT Center For Human Genetics Tuebingen Variant Classification Criteria Version 2. Collection method: clinical testing. Allele origin: germline. Affected: yes. Observed: 5 variant alleles.
Comment: NRXN1: BP4, BP7

Blueprint Genetics
Classification: Likely benign. Last evaluated: 2024-11-20. Review status: criteria provided, single submitter. Criteria: ACMG Guidelines, 2015. Collection method: clinical testing. Allele origin: germline.

Illumina Laboratory Services, Illumina
Classification: Uncertain significance for Pitt-Hopkins-like syndrome 2. Last evaluated: 2018-01-12. Review status: criteria provided, single submitter. Criteria: ICSL Variant Classification Criteria 13 December 2019. Collection method: clinical testing. Allele origin: germline.

Genetic Services Laboratory, University of Chicago
Classification: Likely benign. Last evaluated: 2017-05-03. Review status: criteria provided, single submitter. Criteria: ACMG Guidelines, 2015. Collection method: clinical testing. Allele origin: germline. Affected: no.

Ambry Genetics
Classification: Likely benign for Inborn genetic diseases. Last evaluated: 2016-08-22. Review status: criteria provided, single submitter. Criteria: Ambry Variant Classification Scheme 2023. Collection method: clinical testing. Allele origin: germline.

Eurofins Ntd Llc (ga)
Classification: Uncertain significance. Last evaluated: 2016-07-12. Review status: criteria provided, single submitter. Criteria: EGL Classification Definitions 2015. Collection method: clinical testing. Allele origin: germline. Observed: 3 variant alleles, 3 heterozygotes.

GeneDx
Classification: Benign. Last evaluated: 2013-01-14. Review status: criteria provided, single submitter. Criteria: GeneDx Variant Classification (06012015). Collection method: clinical testing. Allele origin: germline. Affected: yes.
Comment: This variant is considered likely benign or benign based on one or more of the following criteria: it is a conservative change, it occurs at a poorly conserved position in the protein, it is predicted to be benign by multiple in silico algorithms, and/or has population frequency not consistent with disease.

PreventionGenetics, part of Exact Sciences
Classification: Likely benign for NRXN1-related condition. Last evaluated: 2021-01-04. Review status: no assertion criteria provided. Collection method: clinical testing. Allele origin: germline. Not counted in ClinVar's aggregate classification.
Comment: This variant is classified as likely benign based on ACMG/AMP sequence variant interpretation guidelines (Richards et al. 2015 PMID: 25741868, with internal and published modifications).

NM_001330078.2(NRXN1):c.1365T>C (p.Leu455=)

Gene: NRXN1 (neurexin 1; minus strand). Cytogenetic location: 2p16.3.
Variant type: single nucleotide variant.
Coding change: c.1365T>C on transcript NM_001330078.2 (MANE Select); coding-DNA position 1365, T replaced by C.
Protein change: p.Leu455=; no amino-acid change (leucine 455 retained).
Molecular consequence: synonymous variant.
Genome position (GRCh38, 1-based): chr2:50,552,981, A>G on the plus strand (T>C on the coding strand, the complement: NRXN1 is on the minus strand). VCF-style: chr2-50552981-A-G. GRCh37 (hg19) VCF-style: chr2-50780119-A-G.
Other names: p.L495L:CTT>CTC; c.1485T>C, p.Leu495= (NM_001135659.3); c.1341T>C, p.Leu447= (NM_001330077.2, NM_001330082.2, NM_001330095.2); c.1326T>C, p.Leu442= (NM_001330083.2, NM_001330084.2); c.1365T>C, p.Leu455= (NM_001330085.2, NM_001330086.2, NM_004801.6); c.1281T>C, p.Leu427= (NM_001330087.2, NM_001330096.2); c.1311T>C, p.Leu437= (NM_001330088.2); c.1362T>C, p.Leu454= (NM_001330093.2); and 2 more.
Identifiers: ClinVar variation 138549 (VCV000138549.63), dbSNP rs201727684, ClinGen allele CA232551.